The following is an entry in ClinVar:

NM_002972.4(SBF1):c.3320C>T (p.Ser1107Phe)

Gene: SBF1 (SET binding factor 1; minus strand). Cytogenetic location: 22q13.33.
Variant type: single nucleotide variant.
Coding change: c.3320C>T on transcript NM_002972.4 (MANE Select); coding-DNA position 3320, C replaced by T.
Protein change: p.Ser1107Phe; replaces serine 1107 with phenylalanine.
Molecular consequence: missense variant.
Genome position (GRCh38, 1-based): chr22:50,460,123, G>A on the plus strand (C>T on the coding strand, the complement: SBF1 is on the minus strand). VCF-style: chr22-50460123-G-A. GRCh37 (hg19) VCF-style: chr22-50898552-G-A.
Other names: c.3323C>T, p.Ser1108Phe (NM_001365819.1, NM_001410794.1); c.3320C>T, p.Ser1107Phe (NM_001410795.1, NM_197971.1); short protein forms S1108F, S1107F.
Identifiers: ClinVar variation 1972485 (VCV001972485.2), dbSNP rs1203430925, ClinGen allele CA412205178.

ClinVar aggregate classification (germline): Uncertain significance (1 of 4 stars; one submission).

Allele frequency attached by ClinVar (database versions not stated): gnomAD exomes below 0.00001; gnomAD 0.00001; TOPMed 0.00002.
gnomAD v4.1: 7 of 1,612,792 alleles (0.00043%); highest among the groups gnomAD compares: Non-Finnish European, 0.00059%; no homozygotes.

Submission:

Labcorp Genetics (formerly Invitae), Labcorp
Classification: Uncertain significance. Last evaluated: 2022-02-07. Review status: criteria provided, single submitter. Criteria: Invitae Variant Classification Sherloc (09022015). Collection method: clinical testing. Allele origin: germline.
Comment: This sequence change replaces serine, which is neutral and polar, with phenylalanine, which is neutral and non-polar, at codon 1107 of the SBF1 protein (p.Ser1107Phe). This variant is present in population databases (no rsID available, gnomAD 0.0009%). This variant has not been reported in the literature in individuals affected with SBF1-related conditions. Algorithms developed to predict the effect of missense changes on protein structure and function are either unavailable or do not agree on the potential impact of this missense change (SIFT: "Deleterious"; PolyPhen-2: "Possibly Damaging"; Align-GVGD: "Class C0"). In summary, the available evidence is currently insufficient to determine the role of this variant in disease. Therefore, it has been classified as a Variant of Uncertain Significance.